The following is an entry in ClinVar:

NM_000257.4(MYH7):c.799C>G (p.Leu267Val)

Gene: MYH7 (myosin heavy chain 7; minus strand). Cytogenetic location: 14q11.2.
Variant type: single nucleotide variant.
Coding change: c.799C>G on transcript NM_000257.4 (MANE Select); coding-DNA position 799, C replaced by G.
Protein change: p.Leu267Val; replaces leucine 267 with valine.
Molecular consequence: missense variant.
Genome position (GRCh38, 1-based): chr14:23,430,997, G>C on the plus strand (C>G on the coding strand, the complement: MYH7 is on the minus strand). VCF-style: chr14-23430997-G-C. GRCh37 (hg19) VCF-style: chr14-23900206-G-C.
Other names: short protein forms L267V.
Identifiers: ClinVar variation 177935 (VCV000177935.4), dbSNP rs727504409, ClinGen allele CA016853.

ClinVar aggregate classification (germline): Likely pathogenic (1 of 4 stars; one submission).

Conditions:
Hypertrophic cardiomyopathy. Also called: HYPERTROPHIC MYOCARDIOPATHY. Identifiers: Orphanet 217569, MedGen C0007194, MeSH D002312, MONDO:0005045, HP:0001639.

Submission:

Laboratory for Molecular Medicine, Mass General Brigham Personalized Medicine
Classification: Likely pathogenic for Hypertrophic cardiomyopathy. Last evaluated: 2015-09-21. Review status: criteria provided, single submitter. Criteria: LMM Criteria. Collection method: clinical testing. Allele origin: germline. Inheritance: Autosomal dominant inheritance. Observed: 1 variant allele.
Comment: proposed classification - variant undergoing re-assessment, contact laboratory

Literature cited by the submitters: PubMed 23233322.